The following is an entry in ClinVar:

ClinVar aggregate classification (germline): Uncertain significance. Review status: criteria provided, multiple submitters, no conflicts (2 of 4 stars). 4 submissions from 4 submitters: Uncertain significance (3). 1 of the submissions does not count toward it. Last evaluated 2025-12-03.

Conditions:
Bethlem myopathy 1C (BTHLM1C). Identifiers: MedGen C5935581, MONDO:0958234, OMIM 620726.
Collagen 6-related myopathy. Identifiers: MedGen CN117976, MONDO:0100225.
Bethlem myopathy 1A. Also called: Bethlem myopathy 1; Bethlem Muscular Dystrophy; MYOPATHY, BENIGN CONGENITAL, WITH CONTRACTURES. Identifiers: Orphanet 610, MedGen CN029274, MONDO:0024530, OMIM 158810.

Allele frequency attached by ClinVar (database versions not stated): ESP Exome Variant Server 0.00008.
gnomAD v4.1: 7 of 1,613,892 alleles (0.00043%); highest among the groups gnomAD compares: South Asian, 0.0077%; no homozygotes.

Submissions (4):

Labcorp Genetics (formerly Invitae), Labcorp
Classification: Uncertain significance for Bethlem myopathy 1A. Last evaluated: 2025-12-03. Review status: criteria provided, single submitter. Criteria: Invitae Variant Classification Sherloc (09022015). Collection method: clinical testing. Allele origin: germline.
Comment: This sequence change replaces alanine, which is neutral and non-polar, with serine, which is neutral and polar, at codon 1370 of the COL6A3 protein (p.Ala1370Ser). This variant is present in population databases (rs372234605, gnomAD 0.01%). This variant has not been reported in the literature in individuals affected with COL6A3-related conditions. ClinVar contains an entry for this variant (Variation ID: 335123). Invitae Evidence Modeling of protein sequence and biophysical properties (such as structural, functional, and spatial information, amino acid conservation, physicochemical variation, residue mobility, and thermodynamic stability) indicates that this missense variant is not expected to disrupt COL6A3 protein function with a negative predictive value of 80%. In summary, the available evidence is currently insufficient to determine the role of this variant in disease. Therefore, it has been classified as a Variant of Uncertain Significance.

CeGaT Center for Human Genetics Tuebingen
Classification: Uncertain significance. Last evaluated: 2025-07-01. Review status: criteria provided, single submitter. Criteria: CeGaT Center For Human Genetics Tuebingen Variant Classification Criteria Version 2. Collection method: clinical testing. Allele origin: germline. Affected: yes. Observed: 1 variant allele.
Comment: COL6A3: PM2

Illumina Laboratory Services, Illumina
Classification: Uncertain significance for Collagen VI-related myopathy. Last evaluated: 2018-01-12. Review status: criteria provided, single submitter. Criteria: ICSL Variant Classification Criteria 13 December 2019. Collection method: clinical testing. Allele origin: germline.

Hong-Tao Li Lab, Institute of Brain Science and Brain-inspired Research, Shandong First Medical University & Shandong Academy of Medical Sciences China
Classification: Uncertain significance for Bethlem myopathy 1C. Review status: no assertion criteria provided. Collection method: research. Allele origin: germline. Affected: yes. Observed: 1 variant allele, 1 heterozygote. Not counted in ClinVar's aggregate classification.
Comment: Observed in affected individuals from a Pakistani neurodevelopmental-disorder research cohort of 263 individuals. Classification assigned using the ACMG/AMP framework. Population-frequency evidence: gnomAD AF 1.194e-05.

NM_004369.4(COL6A3):c.4108G>T (p.Ala1370Ser)

Gene: COL6A3 (collagen type VI alpha 3 chain; minus strand). Cytogenetic location: 2q37.3.
Variant type: single nucleotide variant.
Coding change: c.4108G>T on transcript NM_004369.4 (MANE Select); coding-DNA position 4108, G replaced by T.
Protein change: p.Ala1370Ser; replaces alanine 1370 with serine.
Molecular consequence: missense variant.
Genome position (GRCh38, 1-based): chr2:237,371,909, C>A on the plus strand (G>T on the coding strand, the complement: COL6A3 is on the minus strand). VCF-style: chr2-237371909-C-A. GRCh37 (hg19) VCF-style: chr2-238280552-C-A.
Other names: c.2887G>T, p.Ala963Ser (NM_057164.5); c.3490G>T, p.Ala1164Ser (NM_057165.5, NM_057167.4); c.2287G>T, p.Ala763Ser (NM_057166.5); short protein forms A1370S, A763S, A1164S, A963S.
Identifiers: ClinVar variation 335123 (VCV000335123.17), dbSNP rs372234605, ClinGen allele CA2188990.